The following is an entry in ClinVar:

NM_030653.4(DDX11):c.2096T>C (p.Val699Ala)

Gene: DDX11 (DEAD/H-box helicase 11; plus strand). Cytogenetic location: 12p11.21.
Variant type: single nucleotide variant.
Coding change: c.2096T>C on transcript NM_030653.4 (MANE Select); coding-DNA position 2096, T replaced by C.
Protein change: p.Val699Ala; replaces valine 699 with alanine.
Molecular consequence: missense variant. On other transcripts: intron variant (1).
Genome position (GRCh38, 1-based): chr12:31,101,876, T>C. VCF-style: chr12-31101876-T-C. GRCh37 (hg19) VCF-style: chr12-31254810-T-C.
Other names: c.2096T>C, p.Val699Ala (NM_001257144.2, NM_152438.2); c.2018T>C, p.Val673Ala (NM_001257145.2); c.2053-367T>C (NM_004399.3); short protein forms V673A, V699A.
Identifiers: ClinVar variation 1339170 (VCV001339170.2), dbSNP rs2141024198, ClinGen allele CA384248009.

ClinVar aggregate classification (germline): Uncertain significance (1 of 4 stars; one submission).

Conditions:
Warsaw breakage syndrome (WABS). Also called: DDX11-Related Cohesinopathy. Identifiers: Orphanet 280558, MedGen C3150658, MONDO:0013252, OMIM 613398.

Submission:

Neuberg Centre For Genomic Medicine, NCGM
Classification: Uncertain significance for Warsaw breakage syndrome. Review status: criteria provided, single submitter. Criteria: ACMG Guidelines, 2015. Collection method: clinical testing. Allele origin: germline. Affected: yes.
Comment: The missense variant p.V699A in DDX11 (NM_030653.4) has not been reported previously as a pathogenic variant nor as a benign variant, to our knowledge. The p.V699A variant is novel (not in any individuals) in gnomAD Exomes and is novel (not in any individuals) in 1000 Genomes. There is a small physicochemical difference between valine and alanine, which is not likely to impact secondary protein structure as these residues share similar properties. The p.V699A missense variant is predicted to be damaging by both SIFT and PolyPhen2. The nucleotide c.2096 in DDX11 is predicted conserved by GERP++ and PhyloP across 100 vertebrates. For these reasons, this variant has been classified as Uncertain Significance.